The following is an entry in ClinVar:

NM_001277115.2(DNAH11):c.1220A>C (p.Asp407Ala)

Gene: DNAH11 (dynein axonemal heavy chain 11; plus strand). Cytogenetic location: 7p15.3.
Variant type: single nucleotide variant.
Coding change: c.1220A>C on transcript NM_001277115.2 (MANE Select); coding-DNA position 1220, A replaced by C.
Protein change: p.Asp407Ala; replaces aspartic acid 407 with alanine.
Molecular consequence: missense variant.
Genome position (GRCh38, 1-based): chr7:21,570,094, A>C. VCF-style: chr7-21570094-A-C. GRCh37 (hg19) VCF-style: chr7-21609712-A-C.
Other names: c.1220A>C (NM_001277115.1); short protein forms D407A.
Identifiers: ClinVar variation 282964 (VCV000282964.10), dbSNP rs780042783, ClinGen allele CA4178937.

ClinVar aggregate classification (germline): Conflicting classifications of pathogenicity. Review status: criteria provided, conflicting classifications (1 of 4 stars). 4 submissions from 4 submitters: Uncertain significance (3); Benign (1). Last evaluated 2025-11-03.

Conditions:
Primary ciliary dyskinesia 7. Also called: CILIARY DYSKINESIA, PRIMARY, 7, WITH OR WITHOUT SITUS INVERSUS. Identifiers: Orphanet 244, MedGen C2678473, MONDO:0012748, OMIM 611884.
Primary ciliary dyskinesia. Also called: Ciliary dyskinesia. Identifiers: Orphanet 244, MedGen C0008780, MONDO:0016575, HP:0012265.

Allele frequency attached by ClinVar (database versions not stated): ExAC 0.00002; gnomAD 0.00002; gnomAD exomes 0.00002; TOPMed 0.00002.
gnomAD v4.1: 30 of 1,610,512 alleles (0.0019%); highest among the groups gnomAD compares: Non-Finnish European, 0.0025%; no homozygotes.

Submissions (4):

Labcorp Genetics (formerly Invitae), Labcorp
Classification: Benign for Primary ciliary dyskinesia. Last evaluated: 2025-11-03. Review status: criteria provided, single submitter. Criteria: Invitae Variant Classification Sherloc (09022015). Collection method: clinical testing. Allele origin: germline.

ARUP Laboratories, Molecular Genetics and Genomics, ARUP Laboratories
Classification: Uncertain significance for Primary ciliary dyskinesia 7. Last evaluated: 2024-04-30. Review status: criteria provided, single submitter. Criteria: ARUP Molecular Germline Variant Investigation Process 2024. Collection method: clinical testing. Allele origin: germline.
Comment: The DNAH11 c.1220A>C; p.Asp407Ala variant (rs780042783), to our knowledge, is not reported in the medical literature but is reported in ClinVar (Variation ID: 282964). This variant is found in the general population with an overall allele frequency of 0.0017% (4/242,172 alleles) in the Genome Aggregation Database (v2.1.1). Computational analyses are uncertain whether this variant is neutral or deleterious (REVEL: 0.208). Due to limited information, the clinical significance of this variant is uncertain at this time.

Ambry Genetics
Classification: Uncertain significance for Primary ciliary dyskinesia. Last evaluated: 2024-03-13. Review status: criteria provided, single submitter. Criteria: Ambry Variant Classification Scheme 2023. Collection method: clinical testing. Allele origin: germline.
Comment: The p.D407A variant (also known as c.1220A>C), located in coding exon 7 of the DNAH11 gene, results from an A to C substitution at nucleotide position 1220. The aspartic acid at codon 407 is replaced by alanine, an amino acid with dissimilar properties. This amino acid position is conserved. In addition, this alteration is predicted to be tolerated by in silico analysis. Based on the available evidence, the clinical significance of this alteration remains unclear.

Eurofins Ntd Llc (ga)
Classification: Uncertain significance. Last evaluated: 2015-09-19. Review status: criteria provided, single submitter. Criteria: EGL Classification Definitions 2015. Collection method: clinical testing. Allele origin: germline. Observed: 1 variant allele, 1 heterozygote.